The following is an entry in ClinVar:

NM_006279.5(ST3GAL3):c.167-2A>T

Gene: ST3GAL3 (ST3 beta-galactoside alpha-2,3-sialyltransferase 3; plus strand). Cytogenetic location: 1p34.1.
Variant type: single nucleotide variant.
Coding change: c.167-2A>T on transcript NM_006279.5 (MANE Select); the canonical splice acceptor site of the intron before coding-DNA position 167, A replaced by T.
Molecular consequence: splice acceptor variant.
Genome position (GRCh38, 1-based): chr1:43,814,889, A>T. VCF-style: chr1-43814889-A-T. GRCh37 (hg19) VCF-style: chr1-44280561-A-T.
Other names: c.212-2A>T (NM_174963.5, NM_001350619.2, NM_174964.4 and 1 more transcripts); c.164-2A>T (NM_001270465.3, NM_001270463.3); c.167-2A>T (NM_174968.5, NM_001363573.2, NM_001350620.2 and 4 more transcripts); c.-287-2A>T (NM_001350621.2); c.119-2A>T (NM_174971.5, NM_001410781.1, NM_174969.4 and 5 more transcripts).
Identifiers: ClinVar variation 2830629 (VCV002830629.3), dbSNP rs2549629250, ClinGen allele CA340265341.

ClinVar aggregate classification (germline): Likely pathogenic (1 of 4 stars; one submission).

Conditions:
Early-infantile DEE. Also called: Early infantile epileptic encephalopathy; Early infantile epileptic encephalopathy with suppression bursts; Ohtahara syndrome. Identifiers: Orphanet 1934, MedGen C0393706, MONDO:0800491.

Submission:

Labcorp Genetics (formerly Invitae), Labcorp
Classification: Likely pathogenic for Early-infantile DEE. Last evaluated: 2025-06-02. Review status: criteria provided, single submitter. Criteria: Invitae Variant Classification Sherloc (09022015). Collection method: clinical testing. Allele origin: germline.
Comment: This sequence change affects an acceptor splice site in intron 3 of the ST3GAL3 gene. It is expected to disrupt RNA splicing. Variants that disrupt the donor or acceptor splice site typically lead to a loss of protein function (PMID: 16199547), and loss-of-function variants in ST3GAL3 are known to be pathogenic (PMID: 31584066). This variant is not present in population databases (gnomAD no frequency). This variant has not been reported in the literature in individuals affected with ST3GAL3-related conditions. ClinVar contains an entry for this variant (Variation ID: 2830629). Algorithms developed to predict the effect of sequence changes on RNA splicing suggest that this variant may disrupt the consensus splice site. In summary, the currently available evidence indicates that the variant is pathogenic, but additional data are needed to prove that conclusively. Therefore, this variant has been classified as Likely Pathogenic.

Literature cited by the submitters: PubMed 16199547; PubMed 31584066.